The following is an entry in ClinVar:

NM_000051.4(ATM):c.583del (p.Thr195fs)

Gene: ATM (ATM serine/threonine kinase; plus strand). Cytogenetic location: 11q22.3.
Variant type: Deletion.
Coding change: c.583del on transcript NM_000051.4 (MANE Select); coding-DNA position 583, one base deleted (A; older notation c.583delA).
Protein change: p.Thr195fs; shifts the reading frame from threonine 195.
Molecular consequence: frameshift variant.
Genome position (GRCh38, 1-based): chr11:108,244,039, A deleted. VCF-style (leftmost placement, unchanged base first): chr11-108244038-TA-T. GRCh37 (hg19) VCF-style: chr11-108114765-TA-T.
Other names: c.583del, p.Thr195fs (NM_001351834.2); short protein forms T195fs.
Identifiers: ClinVar variation 826003 (VCV000826003.4), dbSNP rs1591500220, ClinGen allele CA915947718.

ClinVar aggregate classification (germline): Pathogenic (1 of 4 stars; one submission).

Conditions:
Hereditary cancer-predisposing syndrome. Also called: Neoplastic Syndromes, Hereditary; Tumor predisposition; Hereditary neoplastic syndrome; Hereditary Cancer Syndrome. Identifiers: Orphanet 140162, MedGen C0027672, MeSH D009386, MONDO:0015356.

Submission:

Ambry Genetics
Classification: Pathogenic for Hereditary cancer-predisposing syndrome. Last evaluated: 2018-07-24. Review status: criteria provided, single submitter. Criteria: Ambry Variant Classification Scheme 2023. Collection method: clinical testing. Allele origin: germline.
Comment: The c.583delA pathogenic mutation, located in coding exon 5 of the ATM gene, results from a deletion of one nucleotide at nucleotide position 583, causing a translational frameshift with a predicted alternate stop codon (p.T195Pfs*11). This alteration is expected to result in loss of function by premature protein truncation or nonsense-mediated mRNA decay. As such, this alteration is interpreted as a disease-causing mutation.